The following is an entry in ClinVar:

NM_006267.5(RANBP2):c.8062C>T (p.Leu2688=)

Gene: RANBP2 (RAN binding protein 2; plus strand). Cytogenetic location: 2q13.
Variant type: single nucleotide variant.
Coding change: c.8062C>T on transcript NM_006267.5 (MANE Select); coding-DNA position 8062, C replaced by T.
Protein change: p.Leu2688=; no amino-acid change (leucine 2688 retained).
Molecular consequence: synonymous variant.
Genome position (GRCh38, 1-based): chr2:108,772,530, C>T. VCF-style: chr2-108772530-C-T. GRCh37 (hg19) VCF-style: chr2-109388986-C-T.
Other names: c.8140C>T, p.Leu2714= (NM_001415871.1); c.8059C>T, p.Leu2687= (NM_001415872.1); c.8062C>T, p.Leu2688= (NM_001415873.1).
Identifiers: ClinVar variation 3040557 (VCV003040557.2), dbSNP rs2303585, ClinGen allele CA1823743.
Genomic context (GRCh38, chr2:108,772,530, plus strand): 5'-TAATCAATTGTATTTTAAGATGAAGATTTCGAAACAGCTGTCAAGAAACTTAATGGAAAA[C>T]TATATTTGGATGGCTCAGAAAAATGTAGACCCTTGGAAGAAAATACAGCAGGTATGTTAA-3'
Protein context (NP_006258.3, residues 2678-2698): ETAVKKLNGK[Leu2688=]YLDGSEKCRP

ClinVar aggregate classification (germline): Likely benign (0 of 4 stars; one submission).

Conditions:
RANBP2-related disorder. Also called: RANBP2-related condition.

Allele frequency attached by ClinVar (database versions not stated): TOPMed 0.00009; gnomAD 0.00015; ExAC 0.00025; 1000 Genomes Project 30x 0.00047; 1000 Genomes Project 0.00060.
gnomAD v4.1: 375 of 1,613,708 alleles (0.023%); highest among the groups gnomAD compares: East Asian, 0.83%; 6 homozygotes.

Submission:

PreventionGenetics, part of Exact Sciences
Classification: Likely benign for RANBP2-related condition. Last evaluated: 2019-09-20. Review status: no assertion criteria provided. Collection method: clinical testing. Allele origin: germline.
Comment: This variant is classified as likely benign based on ACMG/AMP sequence variant interpretation guidelines (Richards et al. 2015 PMID: 25741868, with internal and published modifications).